The following is an entry in ClinVar:

NM_019892.6(INPP5E):c.698G>C (p.Ser233Thr)

Gene: INPP5E (inositol polyphosphate-5-phosphatase E; minus strand). Cytogenetic location: 9q34.3.
Variant type: single nucleotide variant.
Coding change: c.698G>C on transcript NM_019892.6 (MANE Select); coding-DNA position 698, G replaced by C.
Protein change: p.Ser233Thr; replaces serine 233 with threonine.
Molecular consequence: missense variant.
Genome position (GRCh38, 1-based): chr9:136,438,722, C>G on the plus strand (G>C on the coding strand, the complement: INPP5E is on the minus strand). VCF-style: chr9-136438722-C-G. GRCh37 (hg19) VCF-style: chr9-139333174-C-G.
Other names: c.698G>C, p.Ser233Thr (NM_001318502.2); c.698G>C (NM_019892.5); short protein forms S233T.
Identifiers: ClinVar variation 2080949 (VCV002080949.4), dbSNP rs568767788, ClinGen allele CA5337100.

ClinVar aggregate classification (germline): Uncertain significance. Review status: criteria provided, single submitter (1 of 4 stars). 2 submissions from 2 submitters: Uncertain significance (1). 1 of the submissions does not count toward it. Last evaluated 2023-12-07.

Conditions:
INPP5E-related disorder. Also called: INPP5E-related condition.
Joubert syndrome. Also called: CEREBELLOPARENCHYMAL DISORDER IV; JOUBERT-BOLTSHAUSER SYNDROME; Familial aplasia of the vermis. Identifiers: Orphanet 475, MedGen C5979921, MONDO:0018772.

Allele frequency attached by ClinVar (database versions not stated): gnomAD 0.00002; ExAC 0.00008; 1000 Genomes Project 0.00040; 1000 Genomes Project 30x 0.00047.

Submissions (2):

Labcorp Genetics (formerly Invitae), Labcorp
Classification: Uncertain significance for Joubert syndrome. Last evaluated: 2023-12-07. Review status: criteria provided, single submitter. Criteria: Invitae Variant Classification Sherloc (09022015). Collection method: clinical testing. Allele origin: germline.
Comment: This sequence change replaces serine, which is neutral and polar, with threonine, which is neutral and polar, at codon 233 of the INPP5E protein (p.Ser233Thr). This variant is present in population databases (rs568767788, gnomAD 0.05%). This variant has not been reported in the literature in individuals affected with INPP5E-related conditions. ClinVar contains an entry for this variant (Variation ID: 2080949). Advanced modeling of protein sequence and biophysical properties (such as structural, functional, and spatial information, amino acid conservation, physicochemical variation, residue mobility, and thermodynamic stability) performed at Invitae indicates that this missense variant is not expected to disrupt INPP5E protein function with a negative predictive value of 95%. In summary, the available evidence is currently insufficient to determine the role of this variant in disease. Therefore, it has been classified as a Variant of Uncertain Significance.

PreventionGenetics, part of Exact Sciences
Classification: Uncertain significance for INPP5E-related condition. Last evaluated: 2024-05-23. Review status: no assertion criteria provided. Collection method: clinical testing. Allele origin: germline. Not counted in ClinVar's aggregate classification.
Comment: The INPP5E c.698G>C variant is predicted to result in the amino acid substitution p.Ser233Thr. To our knowledge, this variant has not been reported in the literature. This variant is reported in 0.050% of alleles in individuals of South Asian descent in gnomAD. At this time, the clinical significance of this variant is uncertain due to the absence of conclusive functional and genetic evidence.